The following is an entry in ClinVar:

ClinVar aggregate classification (germline): Likely pathogenic (1 of 4 stars; one submission).

Submission:

CeGaT Center for Human Genetics Tuebingen
Classification: Likely pathogenic. Last evaluated: 2023-01-01. Review status: criteria provided, single submitter. Criteria: CeGaT Center For Human Genetics Tuebingen Variant Classification Criteria Version 2. Collection method: clinical testing. Allele origin: germline. Affected: yes. Observed: 1 variant allele.
Comment: KCNQ1: PM1, PM2, PM5, PP3

NM_000218.3(KCNQ1):c.797T>A (p.Leu266Gln)

Gene: KCNQ1 (potassium voltage-gated channel subfamily Q member 1; plus strand). Cytogenetic location: 11p15.5.
Variant type: single nucleotide variant.
Coding change: c.797T>A on transcript NM_000218.3 (MANE Select); coding-DNA position 797, T replaced by A.
Protein change: p.Leu266Gln; replaces leucine 266 with glutamine.
Molecular consequence: missense variant. On other transcripts: intron variant (1).
Genome position (GRCh38, 1-based): chr11:2,572,862, T>A. VCF-style: chr11-2572862-T-A. GRCh37 (hg19) VCF-style: chr11-2594092-T-A.
Other names: c.797T>A, p.Leu266Gln (NM_001406836.1); c.527T>A, p.Leu176Gln (NM_001406837.1); c.416T>A, p.Leu139Gln (NM_181798.2); c.478-10573T>A (NM_001406838.1); short protein forms L139Q, L176Q, L266Q.
Identifiers: ClinVar variation 2498480 (VCV002498480.28), dbSNP rs199473460, ClinGen allele CA379131303.